The following is an entry in ClinVar:

NM_001256012.3(MYH10):c.2344-11_2344-10del

Gene: MYH10 (myosin heavy chain 10; minus strand). Cytogenetic location: 17p13.1.
Variant type: Deletion.
Coding change: c.2344-11_2344-10del on transcript NM_001256012.3 (MANE Select); 11 bases into the intron before coding-DNA position 2344 through 10 bases into the intron before coding-DNA position 2344, 2 bases deleted (TT; older notation c.2344-11_2344-10delTT).
Molecular consequence: intron variant.
Genome position (GRCh38, 1-based): chr17:8,518,801-8,518,802, AA deleted on the plus strand (TT on the coding strand, the reverse complement: MYH10 is on the minus strand); deleting any 2 consecutive bases within chr17:8,518,801-8,518,803 gives the same sequence; the c. name uses the placement nearest the transcript's 3' end. VCF-style (leftmost placement, unchanged base first): chr17-8518800-GAA-G. GRCh37 (hg19) VCF-style: chr17-8422118-GAA-G.
Other names: c.2281-11_2281-10del (NM_001375266.1); c.2251-11_2251-10del (NM_005964.5); c.2278-11_2278-10del (NM_001256095.2).
Identifiers: ClinVar variation 3047879 (VCV003047879.2), dbSNP rs755405256, ClinGen allele CA8377708.
Genomic context (GRCh38, chr17:8,518,800, plus strand): 5'-TCTTGCTCTGTCCAATTCTGTACAAGTTTGGGTCCAATTCTAAAGCCCGGATCTAAGAGA[GAA>G]AGAGTTTATTTACTTTTTTTAACTACAAGAAAGATTAGATTAAATCTACAAGCCAGAAAA-3'

ClinVar aggregate classification (germline): Likely benign (0 of 4 stars; one submission).

Conditions:
MYH10-related disorder. Also called: MYH10-related condition.

Submission:

PreventionGenetics, part of Exact Sciences
Classification: Likely benign for MYH10-related condition. Last evaluated: 2019-03-12. Review status: no assertion criteria provided. Collection method: clinical testing. Allele origin: germline.
Comment: This variant is classified as likely benign based on ACMG/AMP sequence variant interpretation guidelines (Richards et al. 2015 PMID: 25741868, with internal and published modifications).